The following is an entry in ClinVar:

NM_001111125.3(IQSEC2):c.3518G>A (p.Ser1173Asn)

Gene: IQSEC2 (IQ motif and Sec7 domain ArfGEF 2; minus strand). Cytogenetic location: Xp11.22.
Variant type: single nucleotide variant.
Coding change: c.3518G>A on transcript NM_001111125.3 (MANE Select); coding-DNA position 3518, G replaced by A.
Protein change: p.Ser1173Asn; replaces serine 1173 with asparagine.
Molecular consequence: missense variant. On other transcripts: 3 prime UTR variant (4), intron variant (2).
Genome position (GRCh38, 1-based): chrX:53,235,168, C>T on the plus strand (G>A on the coding strand, the complement: IQSEC2 is on the minus strand). VCF-style: chrX-53235168-C-T. GRCh37 (hg19) VCF-style: chrX-53264350-C-T.
Other names: c.*3G>A (NM_001410736.1, NM_001441093.1, NM_001441094.1 and 1 more transcripts); c.3451+1154G>A (NM_001441092.1); c.2740+1154G>A (NM_001441095.1); short protein forms S1173N.
Identifiers: ClinVar variation 4801014 (VCV004801014.1).

ClinVar aggregate classification (germline): Uncertain significance (1 of 4 stars; one submission).

Conditions:
Intellectual developmental disorder, X-linked 1. Also called: Atkin Flaitz Patil Smith syndrome; MENTAL RETARDATION, X-LINKED 18; MENTAL RETARDATION, X-LINKED 78; Intellectual disability, X-linked 1. Identifiers: Orphanet 777, MedGen C2931498, MONDO:0010656, OMIM 309530.

Submission:

Labcorp Genetics (formerly Invitae), Labcorp
Classification: Uncertain significance for Intellectual developmental disorder, X-linked 1. Last evaluated: 2025-10-03. Review status: criteria provided, single submitter. Criteria: Invitae Variant Classification Sherloc (09022015). Collection method: clinical testing. Allele origin: germline.
Comment: This sequence change replaces serine, which is neutral and polar, with asparagine, which is neutral and polar, at codon 1173 of the IQSEC2 protein (p.Ser1173Asn). This variant is not present in population databases (gnomAD no frequency). This variant has not been reported in the literature in individuals affected with IQSEC2-related conditions. Invitae Evidence Modeling of protein sequence and biophysical properties (such as structural, functional, and spatial information, amino acid conservation, physicochemical variation, residue mobility, and thermodynamic stability) indicates that this missense variant is not expected to disrupt IQSEC2 protein function with a negative predictive value of 95%. In summary, the available evidence is currently insufficient to determine the role of this variant in disease. Therefore, it has been classified as a Variant of Uncertain Significance.